The following is an entry in ClinVar:

NM_053025.4(MYLK):c.1003A>G (p.Thr335Ala)

Gene: MYLK (myosin light chain kinase; minus strand). Cytogenetic location: 3q21.1.
Variant type: single nucleotide variant.
Coding change: c.1003A>G on transcript NM_053025.4 (MANE Select); coding-DNA position 1003, A replaced by G.
Protein change: p.Thr335Ala; replaces threonine 335 with alanine.
Molecular consequence: missense variant.
Genome position (GRCh38, 1-based): chr3:123,733,993, T>C on the plus strand (A>G on the coding strand, the complement: MYLK is on the minus strand). VCF-style: chr3-123733993-T-C. GRCh37 (hg19) VCF-style: chr3-123452840-T-C.
Other names: c.475A>G, p.Thr159Ala (NM_001321309.2); c.1003A>G, p.Thr335Ala (NM_053026.4, NM_053027.4, NM_053028.4); short protein forms T335A, T159A.
Identifiers: ClinVar variation 539084 (VCV000539084.10), dbSNP rs757891156, ClinGen allele CA066596.

ClinVar aggregate classification (germline): Uncertain significance. Review status: criteria provided, multiple submitters, no conflicts (2 of 4 stars). 3 submissions from 3 submitters: Uncertain significance (2). 1 of the submissions does not count toward it. Last evaluated 2025-08-23.

Conditions:
Familial thoracic aortic aneurysm and aortic dissection (TAAD). Also called: Thoracic aortic aneurysms and dissections. Identifiers: Orphanet 91387, MedGen C4707243, MONDO:0019625.
Aortic aneurysm, familial thoracic 7 (AAT7). Also called: AORTIC DISSECTION, FAMILIAL, WITH OR WITHOUT AORTIC ANEURYSM. Identifiers: MedGen C3151077, MONDO:0013418, OMIM 613780.
MYLK-related disorder. Also called: MYLK-related condition.

Allele frequency attached by ClinVar (database versions not stated): gnomAD exomes below 0.00001 and 0.00001; gnomAD 0.00001; ExAC 0.00002; TOPMed 0.00002.
gnomAD v4.1: 9 of 1,613,976 alleles (0.00056%); highest among the groups gnomAD compares: East Asian, 0.0045%; no homozygotes.

Submissions (3):

Ambry Genetics
Classification: Uncertain significance for Familial thoracic aortic aneurysm and aortic dissection. Last evaluated: 2025-08-23. Review status: criteria provided, single submitter. Criteria: Ambry Variant Classification Scheme 2023. Collection method: clinical testing. Allele origin: germline.

Labcorp Genetics (formerly Invitae), Labcorp
Classification: Uncertain significance for Aortic aneurysm, familial thoracic 7. Last evaluated: 2023-10-02. Review status: criteria provided, single submitter. Criteria: Invitae Variant Classification Sherloc (09022015). Collection method: clinical testing. Allele origin: germline.
Comment: ClinVar contains an entry for this variant (Variation ID: 539084). This sequence change replaces threonine, which is neutral and polar, with alanine, which is neutral and non-polar, at codon 335 of the MYLK protein (p.Thr335Ala). This variant is present in population databases (rs757891156, gnomAD 0.01%). This variant has not been reported in the literature in individuals affected with MYLK-related conditions. Advanced modeling of protein sequence and biophysical properties (such as structural, functional, and spatial information, amino acid conservation, physicochemical variation, residue mobility, and thermodynamic stability) performed at Invitae indicates that this missense variant is not expected to disrupt MYLK protein function. In summary, the available evidence is currently insufficient to determine the role of this variant in disease. Therefore, it has been classified as a Variant of Uncertain Significance.

PreventionGenetics, part of Exact Sciences
Classification: Uncertain significance for MYLK-related condition. Last evaluated: 2024-09-26. Review status: no assertion criteria provided. Collection method: clinical testing. Allele origin: germline. Not counted in ClinVar's aggregate classification.
Comment: The MYLK c.1003A>G variant is predicted to result in the amino acid substitution p.Thr335Ala. To our knowledge, this variant has not been reported in the literature. This variant is reported in 0.011% of alleles in individuals of East Asian descent in gnomAD. At this time, the clinical significance of this variant is uncertain due to the absence of conclusive functional and genetic evidence.